The following is an entry in ClinVar:

NM_001276345.2(TNNT2):c.490-11C>T

Gene: TNNT2 (troponin T2, cardiac type; minus strand). Cytogenetic location: 1q32.1.
Variant type: single nucleotide variant.
Coding change: c.490-11C>T on transcript NM_001276345.2 (MANE Select); 11 bases into the intron before coding-DNA position 490, C replaced by T.
Molecular consequence: intron variant.
Genome position (GRCh38, 1-based): chr1:201,363,417, G>A on the plus strand (C>T on the coding strand, the complement: TNNT2 is on the minus strand). VCF-style: chr1-201363417-G-A. GRCh37 (hg19) VCF-style: chr1-201332545-G-A.
Other names: c.445-11C>T (NM_001001432.3); c.460-11C>T (NM_001001431.3, NM_001001430.3, NM_001276347.2); c.370-11C>T (NM_001276346.2); c.490-11C>T (NM_000364.4).
Identifiers: ClinVar variation 668375 (VCV000668375.4), dbSNP rs770704074, ClinGen allele CA089019.

ClinVar aggregate classification (germline): Likely benign. Review status: criteria provided, multiple submitters, no conflicts (2 of 4 stars). 3 submissions from 3 submitters: Likely benign (3). Last evaluated 2024-04-30.

Conditions:
Dilated cardiomyopathy 1D. Identifiers: Orphanet 154, Orphanet 54260, MedGen C1832243, MONDO:0011095, OMIM 601494.
Hypertrophic cardiomyopathy 2. Also called: TNNT2-Related Familial Hypertrophic Cardiomyopathy. Identifiers: MedGen C1861864, MONDO:0007266, OMIM 115195.
Cardiomyopathy, familial restrictive, 3. Identifiers: Orphanet 75249, MedGen C2676271, MONDO:0012900, OMIM 612422.
Cardiomyopathy (CMYO). Also called: Cardiomyopathies. Identifiers: Orphanet 167848, MedGen C0878544, MONDO:0004994, HP:0001638. Inheritance: Various modes of inheritance.

Allele frequency attached by ClinVar (database versions not stated): ExAC 0.00001.
gnomAD v4.1: 2 of 1,612,762 alleles (0.00012%); highest among the groups gnomAD compares: South Asian, 0.0011%; no homozygotes.

Submissions (3):

Labcorp Genetics (formerly Invitae), Labcorp
Classification: Likely benign for Cardiomyopathy, familial restrictive, 3; Hypertrophic cardiomyopathy 2; Dilated cardiomyopathy 1D. Last evaluated: 2024-04-30. Review status: criteria provided, single submitter. Criteria: Invitae Variant Classification Sherloc (09022015). Collection method: clinical testing. Allele origin: germline.

All of Us Research Program, National Institutes of Health
Classification: Likely benign for Cardiomyopathy. Last evaluated: 2023-11-02. Review status: criteria provided, single submitter. Criteria: ACMG Guidelines, 2015. Collection method: clinical testing. Allele origin: germline. Inheritance: Autosomal dominant inheritance. Observed: 1 variant allele, 1 heterozygote.
Comment: This study involves interpretation of variants in research participants for the purpose of population health screening. Participant phenotype was not available at the time of variant classification. Additional details can be found in publication PMID: 35346344, PMCID: PMC8962531

GeneDx
Classification: Likely benign. Last evaluated: 2018-05-14. Review status: criteria provided, single submitter. Criteria: GeneDx Variant Classification (06012015). Collection method: clinical testing. Allele origin: germline. Affected: yes.
Comment: This variant is considered likely benign or benign based on one or more of the following criteria: it is a conservative change, it occurs at a poorly conserved position in the protein, it is predicted to be benign by multiple in silico algorithms, and/or has population frequency not consistent with disease.